The following is an entry in ClinVar:

ClinVar aggregate classification (germline): Uncertain significance. Review status: criteria provided, multiple submitters, no conflicts (2 of 4 stars). 2 submissions from 2 submitters: Uncertain significance (2). Last evaluated 2025-08-27.

Conditions:
Hereditary cancer-predisposing syndrome. Also called: Hereditary neoplastic syndrome; Hereditary Cancer Syndrome; Neoplastic Syndromes, Hereditary; Tumor predisposition. Identifiers: Orphanet 140162, MedGen C0027672, MeSH D009386, MONDO:0015356.

Submissions (2):

Ambry Genetics
Classification: Uncertain significance for Hereditary cancer-predisposing syndrome. Last evaluated: 2025-08-27. Review status: criteria provided, single submitter. Criteria: Ambry Variant Classification Scheme 2023. Collection method: clinical testing. Allele origin: germline.
Comment: The p.N545I variant (also known as c.1634A>T), located in coding exon 16 of the MUTYH gene, results from an A to T substitution at nucleotide position 1634. The asparagine at codon 545 is replaced by isoleucine, an amino acid with dissimilar properties. This amino acid position is conserved. In addition, this alteration is predicted to be tolerated by in silico analysis. Based on the available evidence, the clinical significance of this variant remains unclear.

Color Diagnostics, LLC DBA Color Health
Classification: Uncertain significance for Hereditary cancer-predisposing syndrome. Last evaluated: 2023-12-27. Review status: criteria provided, single submitter. Criteria: ACMG Guidelines, 2015. Collection method: clinical testing. Allele origin: germline.
Comment: This missense variant replaces asparagine with isoleucine at codon 545 of the MUTYH protein. Computational prediction suggests that this variant may not impact protein structure and function (internally defined REVEL score threshold <= 0.5, PMID: 27666373). To our knowledge, functional studies have not been reported for this variant. This variant has not been reported in individuals affected with MUTYH-related disorders in the literature. This variant has not been identified in the general population by the Genome Aggregation Database (gnomAD). The available evidence is insufficient to determine the role of this variant in disease conclusively. Therefore, this variant is classified as a Variant of Uncertain Significance.

NM_001048174.2(MUTYH):c.1550A>T (p.Asn517Ile)

Gene: MUTYH (mutY DNA glycosylase; minus strand). Cytogenetic location: 1p34.1.
Variant type: single nucleotide variant.
Coding change: c.1550A>T on transcript NM_001048174.2 (MANE Select); coding-DNA position 1550, A replaced by T.
Protein change: p.Asn517Ile; replaces asparagine 517 with isoleucine.
Molecular consequence: missense variant. On other transcripts: non-coding transcript variant (7).
Genome position (GRCh38, 1-based): chr1:45,329,322, T>A on the plus strand (A>T on the coding strand, the complement: MUTYH is on the minus strand). VCF-style: chr1-45329322-T-A. GRCh37 (hg19) VCF-style: chr1-45794994-T-A.
Other names: c.1274A>T, p.Asn425Ile (NM_001293196.2, NM_001293192.2, NM_001407091.1); c.1205A>T, p.Asn402Ile (NM_001350650.2, NM_001350651.2, NM_001407082.1); c.1583A>T, p.Asn528Ile (NM_001407069.1, NM_001407077.1, NM_001293191.2); c.1550A>T, p.Asn517Ile (NM_001407070.1, NM_001407072.1, NM_001407073.1 and 6 more transcripts); c.1553A>T, p.Asn518Ile (NM_001407071.1, NM_001407078.1, NM_001048172.2 and 1 more transcripts); c.1511A>T, p.Asn504Ile (NM_001407079.1); c.1466A>T, p.Asn489Ile (NM_001407075.1); c.1508A>T, p.Asn503Ile (NM_001407080.1); and 5 more; short protein forms N402I, N503I, N518I, N524I, N531I, N504I, N532I, N545I.
Identifiers: ClinVar variation 2773675 (VCV002773675.3), dbSNP rs2149087436, ClinGen allele CA340131513.